The following is an entry in ClinVar:

ClinVar aggregate classification (germline): Uncertain significance (1 of 4 stars; one submission).

gnomAD v4.1: 1 of 1,612,664 alleles (0.000062%); highest among the groups gnomAD compares: Non-Finnish European, 0.000085%; no homozygotes.

Submission:

GeneDx
Classification: Uncertain significance. Last evaluated: 2023-05-09. Review status: criteria provided, single submitter. Criteria: GeneDx Variant Classification Process June 2021. Collection method: clinical testing. Allele origin: germline. Affected: yes.
Comment: Not observed at significant frequency in large population cohorts (gnomAD); In silico analysis supports that this missense variant does not alter protein structure/function; Has not been previously published as pathogenic or benign to our knowledge

NM_032217.5(ANKRD17):c.5116A>C (p.Thr1706Pro)

Gene: ANKRD17 (ankyrin repeat domain 17; minus strand). Cytogenetic location: 4q13.3.
Variant type: single nucleotide variant.
Coding change: c.5116A>C on transcript NM_032217.5 (MANE Select); coding-DNA position 5116, A replaced by C.
Protein change: p.Thr1706Pro; replaces threonine 1706 with proline.
Molecular consequence: missense variant.
Genome position (GRCh38, 1-based): chr4:73,097,178, T>G on the plus strand (A>C on the coding strand, the complement: ANKRD17 is on the minus strand). VCF-style: chr4-73097178-T-G. GRCh37 (hg19) VCF-style: chr4-73962895-T-G.
Other names: c.4777A>C, p.Thr1593Pro (NM_001286771.3); c.5113A>C, p.Thr1705Pro (NM_015574.2); c.4363A>C, p.Thr1455Pro (NM_198889.3); short protein forms T1455P, T1593P, T1705P, T1706P.
Identifiers: ClinVar variation 1704700 (VCV001704700.3), dbSNP rs2530233929, ClinGen allele CA357219745.